The following is an entry in ClinVar:

ClinVar aggregate classification (germline): Pathogenic (1 of 4 stars; one submission).

Submission:

Quest Diagnostics Nichols Institute San Juan Capistrano
Classification: Pathogenic. Last evaluated: 2023-09-15. Review status: criteria provided, single submitter. Criteria: ACMG/ClinGen CNV Guidelines, 2019. Collection method: clinical testing. Allele origin: unknown.
Comment: This deletion involves numerous protein-coding genes. Specifically, haploinsufficiency of ASXL3 (OMIM 615115; CCID:006705) is associated with Bainbridge-Ropers syndrome (OMIM 615485), and there is also evidence for the association of DSC2 (OMIM 125645) loss-of-function variants with arrhythmogenic right ventricular cardiomyopathy (OMIM 610476; Syrris et al., Am J Hum Genet. 2006 Nov;79(5):978-84 PMID: 17033975; Heuser et al., Am J Hum Genet. 2006 Dec;79(6):1081-8. PMID: 17186466; Gehmlich et al., Cardiovasc Res. 2011 Apr 1;90(1):77-87. PMID: 21062920). Additionally, variably sized interstitial deletions of the long arm of chromosome 18 are associated with multiple phenotypic features (Wang et al., Eur J Med Genet. 2013 Aug;56(8):420-5. PMID: 23727450; Surh et al., Am J Med Genet. 1991 Oct 1;41(1):15-7. PMID: 1719812). Thus, based on current medical literature, this copy number variant (CNV) is classified as pathogenic.

GRCh37/hg19 18q11.2-12.1(chr18:21553578-32172480)x1

Genes: AQP4 (aquaporin 4; minus strand), DSC1 (desmocollin 1; minus strand), ASXL3 (ASXL transcriptional regulator 3; plus strand), B4GALT6 (beta-1,4-galactosyltransferase 6; minus strand), CABYR (calcium binding tyrosine phosphorylation regulated; plus strand) and 28 more. Cytogenetic location: 18q11.2-12.1.
Variant type: copy number loss.
Change: copy number 1 (one copy instead of two) of chr18:21,553,578-32,172,480 (10.62 Mb, GRCh37 coordinates, 1-based), cytogenetic band 18q11.2-12.1.
Identifiers: ClinVar variation 3391936 (VCV003391936.1).